The following is an entry in ClinVar:

ClinVar aggregate classification (germline): Conflicting classifications of pathogenicity. Review status: criteria provided, conflicting classifications (1 of 4 stars). 2 submissions from 2 submitters: Uncertain significance (1); Likely benign (1). Last evaluated 2023-03-23.

Conditions:
Hereditary cancer-predisposing syndrome. Also called: Tumor predisposition; Hereditary neoplastic syndrome; Neoplastic Syndromes, Hereditary; Hereditary Cancer Syndrome. Identifiers: Orphanet 140162, MedGen C0027672, MeSH D009386, MONDO:0015356.
Hereditary breast ovarian cancer syndrome. Also called: BRCA1- and BRCA2-Associated Hereditary Breast and Ovarian Cancer; Breast and ovarian cancer; Hereditary breast and ovarian cancer syndrome (HBOC); Hereditary breast and ovarian cancer; Hereditary breast and ovarian cancer syndrome; Hereditary breast and/or ovarian cancer syndrome. Identifiers: Orphanet 145, MedGen C0677776, MeSH D061325, MONDO:0003582. Disease mechanism: loss of function.

Submissions (2):

University of Washington Department of Laboratory Medicine, University of Washington
Classification: Likely benign for Hereditary cancer-predisposing syndrome. Last evaluated: 2023-03-23. Review status: criteria provided, single submitter. Criteria: Dines et al. (Genet Med. 2020). Collection method: curation. Allele origin: germline.
Comment: Missense variant in a coldspot region where missense variants are very unlikely to be pathogenic (PMID:31911673).

BRCA2 exon 11 coldspot. Reclassification based on statistical prior probability.

Labcorp Genetics (formerly Invitae), Labcorp
Classification: Uncertain significance for Hereditary breast ovarian cancer syndrome. Last evaluated: 2018-07-28. Review status: criteria provided, single submitter. Criteria: Invitae Variant Classification Sherloc (09022015). Collection method: clinical testing. Allele origin: germline.
Comment: Algorithms developed to predict the effect of missense changes on protein structure and function (SIFT, PolyPhen-2, Align-GVGD) all suggest that this variant is likely to be tolerated, but these predictions have not been confirmed by published functional studies and their clinical significance is uncertain. In summary, the available evidence is currently insufficient to determine the role of this variant in disease. Therefore, it has been classified as a Variant of Uncertain Significance. This variant has not been reported in the literature in individuals with BRCA2-related disease. This sequence change replaces serine with glycine at codon 1617 of the BRCA2 protein (p.Ser1617Gly). The serine residue is weakly conserved and there is a small physicochemical difference between serine and glycine. This variant is not present in population databases (ExAC no frequency).

NM_000059.4(BRCA2):c.4849A>G (p.Ser1617Gly)

Gene: BRCA2 (BRCA2 DNA repair associated; plus strand). Cytogenetic location: 13q13.1.
Variant type: single nucleotide variant.
Coding change: c.4849A>G on transcript NM_000059.4 (MANE Select); coding-DNA position 4849, A replaced by G.
Protein change: p.Ser1617Gly; replaces serine 1617 with glycine.
Molecular consequence: missense variant.
Genome position (GRCh38, 1-based): chr13:32,339,204, A>G. VCF-style: chr13-32339204-A-G. GRCh37 (hg19) VCF-style: chr13-32913341-A-G.
Other names: short protein forms S1617G.
Identifiers: ClinVar variation 664047 (VCV000664047.10), dbSNP rs80358707, ClinGen allele CA387783381.